The following is an entry in ClinVar:

NM_139276.3(STAT3):c.2216A>G (p.Asn739Ser)

Gene: STAT3 (signal transducer and activator of transcription 3; minus strand). Cytogenetic location: 17q21.2.
Variant type: single nucleotide variant.
Coding change: c.2216A>G on transcript NM_139276.3 (MANE Select); coding-DNA position 2216, A replaced by G.
Protein change: p.Asn739Ser; replaces asparagine 739 with serine.
Molecular consequence: missense variant. On other transcripts: synonymous variant (7).
Genome position (GRCh38, 1-based): chr17:42,316,830, T>C on the plus strand (A>G on the coding strand, the complement: STAT3 is on the minus strand). VCF-style: chr17-42316830-T-C. GRCh37 (hg19) VCF-style: chr17-40468848-T-C.
Other names: c.2216A>G, p.Asn739Ser (NM_001369512.1, NM_001369513.1); c.2213A>G, p.Asn738Ser (NM_001369514.1, NM_001369516.1, NM_003150.4); c.2166A>G, p.Lys722= (NM_001369517.1, NM_001369518.1, NM_213662.2); c.2163A>G, p.Lys721= (NM_001369519.1, NM_001369520.1); c.2132A>G, p.Asn711Ser (NM_001384984.1); c.2138A>G, p.Asn713Ser (NM_001384985.1); c.2178A>G, p.Lys726= (NM_001384986.1); c.2195A>G, p.Asn732Ser (NM_001384987.1); and 6 more; short protein forms N739S, N738S, N706S, N707S, N711S, N713S, N719S, N730S.
Identifiers: ClinVar variation 323241 (VCV000323241.6), dbSNP rs886052941, ClinGen allele CA10645663.

ClinVar aggregate classification (germline): Uncertain significance. Review status: criteria provided, multiple submitters, no conflicts (2 of 4 stars). 2 submissions from 2 submitters: Uncertain significance (2). Last evaluated 2025-08-26.

Conditions:
Hyper-IgE recurrent infection syndrome 1, autosomal dominant. Also called: HYPER-IgE SYNDROME 1, AUTOSOMAL DOMINANT, WITH RECURRENT INFECTIONS; JOB SYNDROME; Job's Syndrome; STAT3 Hyper IgE Syndrome; Hyper-IgE recurrent infection syndrome 1. Identifiers: Orphanet 2314, MedGen C2936739, MONDO:0007818, OMIM 147060.
STAT3 gain of function. Identifiers: MedGen C4288261.

Allele frequency attached by ClinVar (database versions not stated): gnomAD exomes below 0.00001.
gnomAD v4.1: 1 of 1,613,834 alleles (0.000062%); highest among the groups gnomAD compares: Non-Finnish European, 0.000085%; no homozygotes.

Submissions (2):

Labcorp Genetics (formerly Invitae), Labcorp
Classification: Uncertain significance for STAT3 gain of function; Hyper-IgE recurrent infection syndrome 1, autosomal dominant. Last evaluated: 2025-08-26. Review status: criteria provided, single submitter. Criteria: Invitae Variant Classification Sherloc (09022015). Collection method: clinical testing. Allele origin: germline.
Comment: This sequence change replaces asparagine, which is neutral and polar, with serine, which is neutral and polar, at codon 739 of the STAT3 protein (p.Asn739Ser). This variant is not present in population databases (gnomAD no frequency). This variant has not been reported in the literature in individuals affected with STAT3-related conditions. ClinVar contains an entry for this variant (Variation ID: 323241). Invitae Evidence Modeling of protein sequence and biophysical properties (such as structural, functional, and spatial information, amino acid conservation, physicochemical variation, residue mobility, and thermodynamic stability) indicates that this missense variant is not expected to disrupt STAT3 protein function with a negative predictive value of 95%. In summary, the available evidence is currently insufficient to determine the role of this variant in disease. Therefore, it has been classified as a Variant of Uncertain Significance.

Illumina Laboratory Services, Illumina
Classification: Uncertain significance for Hyper-IgE recurrent infection syndrome 1, autosomal dominant. Last evaluated: 2018-01-13. Review status: criteria provided, single submitter. Criteria: ICSL Variant Classification Criteria 13 December 2019. Collection method: clinical testing. Allele origin: germline.